The following is an entry in ClinVar:

ClinVar aggregate classification (germline): Uncertain significance. Review status: criteria provided, multiple submitters, no conflicts (2 of 4 stars). 2 submissions from 2 submitters: Uncertain significance (2). Last evaluated 2022-06-10.

Conditions:
Catecholaminergic polymorphic ventricular tachycardia 1. Also called: RYR2-Related Catecholaminergic Polymorphic Ventricular Tachycardia; VENTRICULAR TACHYCARDIA, STRESS-INDUCED POLYMORPHIC 1; VENTRICULAR TACHYCARDIA, CATECHOLAMINERGIC POLYMORPHIC, 1, WITH OR WITHOUT ATRIAL DYSFUNCTION AND/OR DILATED CARDIOMYOPATHY. Identifiers: Orphanet 3286, MedGen C1631597, MONDO:0011484, OMIM 604772.
Cardiovascular phenotype. Identifiers: MedGen CN230736.

Allele frequency attached by ClinVar (database versions not stated): gnomAD exomes 0.00001; TOPMed 0.00005; gnomAD 0.00007.
gnomAD v4.1: 23 of 1,462,096 alleles (0.0016%); highest among the groups gnomAD compares: African/African-American, 0.026%; no homozygotes.

Submissions (2):

Ambry Genetics
Classification: Uncertain significance for Cardiovascular phenotype. Last evaluated: 2022-06-10. Review status: criteria provided, single submitter. Criteria: Ambry Variant Classification Scheme 2023. Collection method: clinical testing. Allele origin: germline.
Comment: The c.1187-3C>T intronic variant results from a C to T substitution 3 nucleotides upstream from coding exon 17 in the TRDN gene. This nucleotide position is well conserved in available vertebrate species. Using the BDGP and ESEfinder splice site prediction tools, this alteration is not predicted to have any significant effect on this splice acceptor site; however, direct evidence is unavailable. Since supporting evidence is limited at this time, the clinical significance of this alteration remains unclear.

Labcorp Genetics (formerly Invitae), Labcorp
Classification: Uncertain significance for Catecholaminergic polymorphic ventricular tachycardia 1. Last evaluated: 2022-02-05. Review status: criteria provided, single submitter. Criteria: Invitae Variant Classification Sherloc (09022015). Collection method: clinical testing. Allele origin: germline.
Comment: This sequence change falls in intron 16 of the TRDN gene. It does not directly change the encoded amino acid sequence of the TRDN protein. It affects a nucleotide within the consensus splice site. The frequency data for this variant in the population databases is considered unreliable, as metrics indicate poor data quality at this position in the gnomAD database. This variant has not been reported in the literature in individuals affected with TRDN-related conditions. Variants that disrupt the consensus splice site are a relatively common cause of aberrant splicing (PMID: 17576681, 9536098). Algorithms developed to predict the effect of sequence changes on RNA splicing suggest that this variant is not likely to affect RNA splicing. In summary, the available evidence is currently insufficient to determine the role of this variant in disease. Therefore, it has been classified as a Variant of Uncertain Significance.

Literature cited by the submitters: PubMed 17576681 (cited by Labcorp Genetics (formerly Invitae), Labcorp); PubMed 9536098 (cited by Labcorp Genetics (formerly Invitae), Labcorp).

NM_006073.4(TRDN):c.1187-3C>T

Gene: TRDN (triadin; minus strand). Cytogenetic location: 6q22.31.
Variant type: single nucleotide variant.
Coding change: c.1187-3C>T on transcript NM_006073.4 (MANE Select); 3 bases into the intron before coding-DNA position 1187, C replaced by T.
Molecular consequence: intron variant.
Genome position (GRCh38, 1-based): chr6:123,377,901, G>A on the plus strand (C>T on the coding strand, the complement: TRDN is on the minus strand). VCF-style: chr6-123377901-G-A. GRCh37 (hg19) VCF-style: chr6-123699046-G-A.
Other names: c.1190-3C>T (NM_001251987.2).
Identifiers: ClinVar variation 1416759 (VCV001416759.6), dbSNP rs375421435, ClinGen allele CA147257442.